The following is an entry in ClinVar:

NM_001843.4(CNTN1):c.618A>C (p.Lys206Asn)

Gene: CNTN1 (contactin 1; plus strand). Cytogenetic location: 12q12.
Variant type: single nucleotide variant.
Coding change: c.618A>C on transcript NM_001843.4 (MANE Select); coding-DNA position 618, A replaced by C.
Protein change: p.Lys206Asn; replaces lysine 206 with asparagine.
Molecular consequence: missense variant.
Genome position (GRCh38, 1-based): chr12:40,929,917, A>C. VCF-style: chr12-40929917-A-C. GRCh37 (hg19) VCF-style: chr12-41323719-A-C.
Other names: c.618A>C, p.Lys206Asn (NM_001256063.2, NM_001256064.2); c.585A>C, p.Lys195Asn (NM_175038.2); short protein forms K195N, K206N.
Identifiers: ClinVar variation 2413919 (VCV002413919.9), dbSNP rs1945824388, ClinGen allele CA384422714.

ClinVar aggregate classification (germline): Uncertain significance (1 of 4 stars; one submission).

Conditions:
Compton-North congenital myopathy (CMYO12). Identifiers: Orphanet 210163, MedGen C2675527, MONDO:0012929, OMIM 612540.

Allele frequency attached by ClinVar (database versions not stated): gnomAD exomes below 0.00001.
gnomAD v4.1: 1 of 1,613,022 alleles (0.000062%); highest among the groups gnomAD compares: Non-Finnish European, 0.000085%; no homozygotes.

Submission:

Labcorp Genetics (formerly Invitae), Labcorp
Classification: Uncertain significance for Compton-North congenital myopathy. Last evaluated: 2022-02-28. Review status: criteria provided, single submitter. Criteria: Invitae Variant Classification Sherloc (09022015). Collection method: clinical testing. Allele origin: germline.
Comment: In summary, the available evidence is currently insufficient to determine the role of this variant in disease. Therefore, it has been classified as a Variant of Uncertain Significance. This sequence change replaces lysine, which is basic and polar, with asparagine, which is neutral and polar, at codon 206 of the CNTN1 protein (p.Lys206Asn). This variant is not present in population databases (gnomAD no frequency). This variant has not been reported in the literature in individuals affected with CNTN1-related conditions. Advanced modeling of protein sequence and biophysical properties (such as structural, functional, and spatial information, amino acid conservation, physicochemical variation, residue mobility, and thermodynamic stability) performed at Invitae indicates that this missense variant is not expected to disrupt CNTN1 protein function.